The following is an entry in ClinVar:

ClinVar aggregate classification (germline): Uncertain significance (1 of 4 stars; one submission).

Conditions:
Fanconi anemia (FA). Also called: Fanconi's anemia. Identifiers: Orphanet 84, MedGen C0015625, MeSH D005199, MONDO:0019391.

Submission:

Labcorp Genetics (formerly Invitae), Labcorp
Classification: Uncertain significance for Fanconi anemia. Last evaluated: 2025-07-31. Review status: criteria provided, single submitter. Criteria: Invitae Variant Classification Sherloc (09022015). Collection method: clinical testing. Allele origin: germline.
Comment: This sequence change replaces isoleucine, which is neutral and non-polar, with asparagine, which is neutral and polar, at codon 702 of the FANCA protein (p.Ile702Asn). This variant is not present in population databases (gnomAD no frequency). This variant has not been reported in the literature in individuals affected with FANCA-related conditions. Invitae Evidence Modeling of protein sequence and biophysical properties (such as structural, functional, and spatial information, amino acid conservation, physicochemical variation, residue mobility, and thermodynamic stability) indicates that this missense variant is expected to disrupt FANCA protein function with a positive predictive value of 95%. In summary, the available evidence is currently insufficient to determine the role of this variant in disease. Therefore, it has been classified as a Variant of Uncertain Significance.

NM_000135.4(FANCA):c.2105T>A (p.Ile702Asn)

Gene: FANCA (FA complementation group A; minus strand). Cytogenetic location: 16q24.3.
Variant type: single nucleotide variant.
Coding change: c.2105T>A on transcript NM_000135.4 (MANE Select); coding-DNA position 2105, T replaced by A.
Protein change: p.Ile702Asn; replaces isoleucine 702 with asparagine.
Molecular consequence: missense variant.
Genome position (GRCh38, 1-based): chr16:89,771,724, A>T on the plus strand (T>A on the coding strand, the complement: FANCA is on the minus strand). VCF-style: chr16-89771724-A-T. GRCh37 (hg19) VCF-style: chr16-89838132-A-T.
Other names: c.2105T>A, p.Ile702Asn (NM_001286167.3); short protein forms I702N.
Identifiers: ClinVar variation 4709687 (VCV004709687.1).